The following is an entry in ClinVar:

ClinVar aggregate classification (germline): Likely pathogenic (1 of 4 stars; one submission).

Submission:

GeneDx
Classification: Likely pathogenic. Last evaluated: 2021-07-01. Review status: criteria provided, single submitter. Criteria: GeneDx Variant Classification Process June 2021. Collection method: clinical testing. Allele origin: germline. Affected: yes.
Comment: Frameshift variant predicted to result in protein truncation, as the last 21 amino acids are replaced with 148 different amino acids, and other loss-of-function variants have been reported downstream in the Human Gene Mutation Database (Stenson et al., 2014); Not observed at significant frequency in large population cohorts (Lek et al., 2016); This variant is associated with the following publications: (PMID: 29181528, 31827910)

NM_000266.4(NDP):c.338del (p.Gly113fs)

Genes: NDP-AS1 (NDP antisense RNA 1; plus strand), NDP (norrin cystine knot growth factor NDP; minus strand). Cytogenetic location: Xp11.3.
Variant type: Deletion.
Coding change: c.338del on transcript NM_000266.4 (MANE Select); coding-DNA position 338, one base deleted (G; older notation c.338delG).
Protein change: p.Gly113fs; shifts the reading frame from glycine 113.
Molecular consequence: frameshift variant. On other transcripts: non-coding transcript variant (1).
Genome position (GRCh38, 1-based): chrX:43,949,863, C deleted on the plus strand (G on the coding strand, the reverse complement: NDP is on the minus strand); the first of 5 consecutive C bases (chrX:43,949,863-43,949,867); deleting any one gives the same sequence. VCF-style (leftmost placement, unchanged base first): chrX-43949862-GC-G. GRCh37 (hg19) VCF-style: chrX-43809108-GC-G.
Other names: short protein forms G113fs.
Identifiers: ClinVar variation 1186733 (VCV001186733.2), dbSNP rs2147204705, ClinGen allele CA915940517.